The following is an entry in ClinVar:

ClinVar aggregate classification (germline): Uncertain significance (1 of 4 stars; one submission).

Conditions:
Saldino-Mainzer syndrome (SRTD9). Also called: Renal dysplasia, retinal pigmentary dystrophy, cerebellar ataxia and skeletal dysplasia; CONORENAL SYNDROME; SHORT-RIB THORACIC DYSPLASIA 9 WITHOUT POLYDACTYLY; short-rib thoracic dysplasia 9 with or without polydactyly. Identifiers: Orphanet 140969, MedGen C1849437, MONDO:0009964, OMIM 266920.

Allele frequency attached by ClinVar (database versions not stated): TOPMed below 0.00001; ExAC 0.00001; gnomAD exomes 0.00003; ESP Exome Variant Server 0.00008.
gnomAD v4.1: 48 of 1,613,994 alleles (0.003%); highest among the groups gnomAD compares: Non-Finnish European, 0.0041%; no homozygotes.

Submission:

Labcorp Genetics (formerly Invitae), Labcorp
Classification: Uncertain significance for Saldino-Mainzer syndrome. Last evaluated: 2023-08-24. Review status: criteria provided, single submitter. Criteria: Invitae Variant Classification Sherloc (09022015). Collection method: clinical testing. Allele origin: germline.
Comment: This variant is not present in population databases (gnomAD no frequency). This sequence change replaces alanine, which is neutral and non-polar, with threonine, which is neutral and polar, at codon 1224 of the IFT140 protein (p.Ala1224Thr). This variant has not been reported in the literature in individuals affected with IFT140-related conditions. ClinVar contains an entry for this variant (Variation ID: 1439195). Advanced modeling of protein sequence and biophysical properties (such as structural, functional, and spatial information, amino acid conservation, physicochemical variation, residue mobility, and thermodynamic stability) has been performed at Invitae for this missense variant, however the output from this modeling did not meet the statistical confidence thresholds required to predict the impact of this variant on IFT140 protein function. In summary, the available evidence is currently insufficient to determine the role of this variant in disease. Therefore, it has been classified as a Variant of Uncertain Significance.

NM_014714.4(IFT140):c.3670G>A (p.Ala1224Thr)

Gene: IFT140 (intraflagellar transport 140; minus strand). Cytogenetic location: 16p13.3.
Variant type: single nucleotide variant.
Coding change: c.3670G>A on transcript NM_014714.4 (MANE Select); coding-DNA position 3670, G replaced by A.
Protein change: p.Ala1224Thr; replaces alanine 1224 with threonine.
Molecular consequence: missense variant.
Genome position (GRCh38, 1-based): chr16:1,520,334, C>T on the plus strand (G>A on the coding strand, the complement: IFT140 is on the minus strand). VCF-style: chr16-1520334-C-T. GRCh37 (hg19) VCF-style: chr16-1570335-C-T.
Other names: short protein forms A1224T.
Identifiers: ClinVar variation 1439195 (VCV001439195.8), dbSNP rs373377650, ClinGen allele CA7813066.